The following is an entry in ClinVar:

ClinVar aggregate classification (germline): Uncertain significance. Review status: criteria provided, multiple submitters, no conflicts (2 of 4 stars). 4 submissions from 4 submitters: Uncertain significance (4). Last evaluated 2026-08-18.

Conditions:
CHARGE syndrome (CHARGE). Also called: CHARGE ASSOCIATION--COLOBOMA, HEART ANOMALY, CHOANAL ATRESIA, RETARDATION, GENITAL AND EAR ANOMALIES; Coloboma, heart anomaly, choanal atresia, retardation, genital and ear anomalies; CHARGE association; Hall-Hittner syndrome; Hittner Hirsch Kreh syndrome. Identifiers: Orphanet 138, MedGen C0265354, MONDO:0008965.
Inborn genetic diseases. Identifiers: MedGen C0950123, MeSH D030342.
Hypogonadotropic hypogonadism 5 with or without anosmia (KAL5). Also called: HYPOGONADOTROPIC HYPOGONADISM 5 WITH ANOSMIA; HYPOGONADOTROPHIC HYPOGONADISM 5 WITHOUT ANOSMIA; CHD7-Related GnRH Deficiency (Kallmann Syndrome 5). Identifiers: Orphanet 478, MedGen C3552553, MONDO:0012880, OMIM 612370. Disease mechanism: loss of function.

Allele frequency attached by ClinVar (database versions not stated): gnomAD 0.00001.

Submissions (4):

Ambry Genetics
Classification: Uncertain significance for Inborn genetic diseases. Last evaluated: 2026-08-18. Review status: criteria provided, single submitter. Criteria: Ambry Variant Classification Scheme 2023. Collection method: clinical testing. Allele origin: germline.

Women's Health and Genetics/Laboratory Corporation of America, LabCorp
Classification: Uncertain significance. Last evaluated: 2026-06-18. Review status: criteria provided, single submitter. Criteria: LabCorp Variant Classification Summary - May 2015. Collection method: clinical testing. Allele origin: germline.
Comment: Variant summary: CHD7 c.202C>T (p.His68Tyr) results in a conservative amino acid change in the encoded protein sequence. Algorithms developed to predict the effect of missense changes on protein structure and function are either unavailable or do not agree on the potential impact of this missense change. The variant was absent in 248492 control chromosomes. The available data on variant occurrences in the general population are insufficient to allow any conclusion about variant significance. To our knowledge, no occurrence of c.202C>T in individuals affected with CHD7-related conditions and no experimental evidence demonstrating its impact on protein function have been reported. ClinVar contains an entry for this variant (Variation ID: 363440). Based on the evidence outlined above, the variant was classified as uncertain significance.

Labcorp Genetics (formerly Invitae), Labcorp
Classification: Uncertain significance for CHARGE syndrome. Last evaluated: 2023-07-03. Review status: criteria provided, single submitter. Criteria: Invitae Variant Classification Sherloc (09022015). Collection method: clinical testing. Allele origin: germline.
Comment: This variant has not been reported in the literature in individuals affected with CHD7-related conditions. This variant is not present in population databases (gnomAD no frequency). This sequence change replaces histidine, which is basic and polar, with tyrosine, which is neutral and polar, at codon 68 of the CHD7 protein (p.His68Tyr). ClinVar contains an entry for this variant (Variation ID: 363440). In summary, the available evidence is currently insufficient to determine the role of this variant in disease. Therefore, it has been classified as a Variant of Uncertain Significance. Advanced modeling of protein sequence and biophysical properties (such as structural, functional, and spatial information, amino acid conservation, physicochemical variation, residue mobility, and thermodynamic stability) performed at Invitae indicates that this missense variant is not expected to disrupt CHD7 protein function.

Illumina Laboratory Services, Illumina
Classification: Uncertain significance for Kallmann Syndrome 5. Last evaluated: 2018-01-13. Review status: criteria provided, single submitter. Criteria: ICSL Variant Classification Criteria 13 December 2019. Collection method: clinical testing. Allele origin: germline.

NM_017780.4(CHD7):c.202C>T (p.His68Tyr)

Gene: CHD7 (chromodomain helicase DNA binding protein 7; plus strand). Cytogenetic location: 8q12.2.
Variant type: single nucleotide variant.
Coding change: c.202C>T on transcript NM_017780.4 (MANE Select); coding-DNA position 202, C replaced by T.
Protein change: p.His68Tyr; replaces histidine 68 with tyrosine.
Molecular consequence: missense variant.
Genome position (GRCh38, 1-based): chr8:60,741,634, C>T. VCF-style: chr8-60741634-C-T. GRCh37 (hg19) VCF-style: chr8-61654193-C-T.
Other names: c.202C>T, p.His68Tyr (NM_001316690.1); short protein forms H68Y.
Identifiers: ClinVar variation 363440 (VCV000363440.11), dbSNP rs886063032, ClinGen allele CA10631362.